The following is an entry in ClinVar:

ClinVar aggregate classification (germline): Uncertain significance. Review status: criteria provided, multiple submitters, no conflicts (2 of 4 stars). 2 submissions from 2 submitters: Uncertain significance (2). Last evaluated 2024-05-06.

Submissions (2):

Labcorp Genetics (formerly Invitae), Labcorp
Classification: Uncertain significance. Last evaluated: 2024-05-06. Review status: criteria provided, single submitter. Criteria: Invitae Variant Classification Sherloc (09022015). Collection method: clinical testing. Allele origin: germline.
Comment: This sequence change replaces threonine, which is neutral and polar, with isoleucine, which is neutral and non-polar, at codon 1370 of the MAST1 protein (p.Thr1370Ile). This variant is not present in population databases (gnomAD no frequency). This variant has not been reported in the literature in individuals affected with MAST1-related conditions. ClinVar contains an entry for this variant (Variation ID: 1704842). Algorithms developed to predict the effect of missense changes on protein structure and function output the following: SIFT: "Not Available"; PolyPhen-2: "Benign"; Align-GVGD: "Not Available". The isoleucine amino acid residue is found in multiple mammalian species, which suggests that this missense change does not adversely affect protein function. In summary, the available evidence is currently insufficient to determine the role of this variant in disease. Therefore, it has been classified as a Variant of Uncertain Significance.

GeneDx
Classification: Uncertain significance. Last evaluated: 2022-03-11. Review status: criteria provided, single submitter. Criteria: GeneDx Variant Classification Process June 2021. Collection method: clinical testing. Allele origin: germline. Affected: yes.
Comment: Not observed at significant frequency in large population cohorts (gnomAD); In silico analysis supports that this missense variant does not alter protein structure/function; Has not been previously published as pathogenic or benign to our knowledge

NM_014975.3(MAST1):c.4109C>T (p.Thr1370Ile)

Gene: MAST1 (microtubule associated serine/threonine kinase 1; plus strand). Cytogenetic location: 19p13.13.
Variant type: single nucleotide variant.
Coding change: c.4109C>T on transcript NM_014975.3 (MANE Select); coding-DNA position 4109, C replaced by T.
Protein change: p.Thr1370Ile; replaces threonine 1370 with isoleucine.
Molecular consequence: missense variant.
Genome position (GRCh38, 1-based): chr19:12,874,266, C>T. VCF-style: chr19-12874266-C-T. GRCh37 (hg19) VCF-style: chr19-12985080-C-T.
Other names: short protein forms T1370I.
Identifiers: ClinVar variation 1704842 (VCV001704842.4), dbSNP rs2512545497, ClinGen allele CA404290035.
Genomic context (GRCh38, chr19:12,874,266, plus strand): 5'-CCTCCAGGCCACCAGTGTCGAGCAAGGAGAAGGAATCCCCGGGGGGCGCCGAGGCGTGCA[C>T]CCCACCCCGCGCGACGACCCCCGGTGGCCGGACCCTGGAGCGGGACGTCGGCTGCACGCG-3'
Protein context (NP_055790.1, residues 1360-1380): KESPGGAEAC[Thr1370Ile]PPRATTPGGR